The following is an entry in ClinVar:

ClinVar aggregate classification (germline): Uncertain significance (1 of 4 stars; one submission).

Submission:

GeneDx
Classification: Uncertain significance. Last evaluated: 2026-02-12. Review status: criteria provided, single submitter. Criteria: GeneDx Variant Classification Process June 2021. Collection method: clinical testing. Allele origin: germline.
Comment: Not observed at significant frequency in large population cohorts (gnomAD); In silico analysis supports that this missense variant has a deleterious effect on protein structure/function; Has not been previously published as pathogenic or benign to our knowledge

NM_005859.5(PURA):c.295C>G (p.Arg99Gly)

Gene: PURA (purine rich element binding protein A; plus strand). Cytogenetic location: 5q31.3.
Variant type: single nucleotide variant.
Coding change: c.295C>G on transcript NM_005859.5 (MANE Select); coding-DNA position 295, C replaced by G.
Protein change: p.Arg99Gly; replaces arginine 99 with glycine.
Molecular consequence: missense variant.
Genome position (GRCh38, 1-based): chr5:140,114,476, C>G. VCF-style: chr5-140114476-C-G. GRCh37 (hg19) VCF-style: chr5-139494061-C-G.
Other names: short protein forms R99G.
Identifiers: ClinVar variation 5008217 (VCV005008217.1).